The following is an entry in ClinVar:

ClinVar aggregate classification (germline): Uncertain significance. Review status: criteria provided, multiple submitters, no conflicts (2 of 4 stars). 3 submissions from 3 submitters: Uncertain significance (3). Last evaluated 2025-06-02.

Conditions:
Inborn genetic diseases. Identifiers: MedGen C0950123, MeSH D030342.

Allele frequency attached by ClinVar (database versions not stated): TOPMed 0.00001; gnomAD 0.00002; gnomAD exomes 0.00002 and 0.00004; ExAC 0.00006; ESP Exome Variant Server 0.00008.
gnomAD v4.1: 29 of 1,614,014 alleles (0.0018%); highest among the groups gnomAD compares: South Asian, 0.013%; no homozygotes.

Submissions (3):

Labcorp Genetics (formerly Invitae), Labcorp
Classification: Uncertain significance. Last evaluated: 2025-06-02. Review status: criteria provided, single submitter. Criteria: Invitae Variant Classification Sherloc (09022015). Collection method: clinical testing. Allele origin: germline.
Comment: This sequence change replaces arginine, which is basic and polar, with histidine, which is basic and polar, at codon 462 of the C3 protein (p.Arg462His). This variant is present in population databases (rs373081527, gnomAD 0.01%). This variant has not been reported in the literature in individuals affected with C3-related conditions. ClinVar contains an entry for this variant (Variation ID: 1494211). Invitae Evidence Modeling of protein sequence and biophysical properties (such as structural, functional, and spatial information, amino acid conservation, physicochemical variation, residue mobility, and thermodynamic stability) indicates that this missense variant is not expected to disrupt C3 protein function with a negative predictive value of 80%. In summary, the available evidence is currently insufficient to determine the role of this variant in disease. Therefore, it has been classified as a Variant of Uncertain Significance.

Blueprint Genetics
Classification: Uncertain significance. Last evaluated: 2024-09-12. Review status: criteria provided, single submitter. Criteria: ACMG Guidelines, 2015. Collection method: clinical testing. Allele origin: germline.

Ambry Genetics
Classification: Uncertain significance for Inborn genetic diseases. Last evaluated: 2023-05-09. Review status: criteria provided, single submitter. Criteria: Ambry Variant Classification Scheme 2023. Collection method: clinical testing. Allele origin: germline.

NM_000064.4(C3):c.1385G>A (p.Arg462His)

Gene: C3 (complement C3; minus strand). Cytogenetic location: 19p13.3.
Variant type: single nucleotide variant.
Coding change: c.1385G>A on transcript NM_000064.4 (MANE Select); coding-DNA position 1385, G replaced by A.
Protein change: p.Arg462His; replaces arginine 462 with histidine.
Molecular consequence: missense variant.
Genome position (GRCh38, 1-based): chr19:6,711,081, C>T on the plus strand (G>A on the coding strand, the complement: C3 is on the minus strand). VCF-style: chr19-6711081-C-T. GRCh37 (hg19) VCF-style: chr19-6711092-C-T.
Other names: c.1385G>A (NM_000064.2); short protein forms R462H.
Identifiers: ClinVar variation 1494211 (VCV001494211.9), dbSNP rs373081527, ClinGen allele CA9129475.